The following is an entry in ClinVar:

NM_001009944.3(PKD1):c.5882C>T (p.Ala1961Val)

Gene: PKD1 (polycystin 1, transient receptor potential channel interacting; minus strand). Cytogenetic location: 16p13.3.
Variant type: single nucleotide variant.
Coding change: c.5882C>T on transcript NM_001009944.3 (MANE Select); coding-DNA position 5882, C replaced by T.
Protein change: p.Ala1961Val; replaces alanine 1961 with valine.
Molecular consequence: missense variant.
Genome position (GRCh38, 1-based): chr16:2,109,285, G>A on the plus strand (C>T on the coding strand, the complement: PKD1 is on the minus strand). VCF-style: chr16-2109285-G-A. GRCh37 (hg19) VCF-style: chr16-2159286-G-A.
Other names: c.5882C>T, p.Ala1961Val (NM_000296.4); short protein forms A1961V.
Identifiers: ClinVar variation 993668 (VCV000993668.16), dbSNP rs375440448, ClinGen allele CA7831817.

ClinVar aggregate classification (germline): Conflicting classifications of pathogenicity. Review status: criteria provided, conflicting classifications (1 of 4 stars). 5 submissions from 5 submitters: Uncertain significance (1); Benign (1); Likely benign (3). Last evaluated 2026-02-02.

Conditions:
Polycystic kidney disease, adult type (PKD1). Also called: POLYCYSTIC KIDNEY DISEASE, ADULT, TYPE I; Polycystic Kidney, Autosomal Dominant; POLYCYSTIC KIDNEY DISEASE 1 WITH OR WITHOUT POLYCYSTIC LIVER DISEASE; Polycystic Kidney Disease 1, Autosomal Dominant; Polycystic kidney disease 1; Polycystic kidney disease 1, severe. Identifiers: MedGen C3149841, MONDO:0008263, OMIM 173900.

Allele frequency attached by ClinVar (database versions not stated): TOPMed 0.00013; ESP Exome Variant Server 0.00016.
gnomAD v4.1: 350 of 1,583,378 alleles (0.022%); highest among the groups gnomAD compares: Non-Finnish European, 0.028%; no homozygotes.

Submissions (5):

Dasa
Classification: Uncertain significance for Polycystic kidney disease, adult type. Last evaluated: 2026-02-02. Review status: criteria provided, single submitter. Criteria: DASA Assertion Criteria. Collection method: clinical testing. Allele origin: germline.
Comment: NM_001009944.3(PKD1):c.5882C>T (p.Ala1961Val) is a missense variant that results in the substitution of alanine with valine. This variant is rare in population databases. Computational prediction algorithms are consistent with a benign effect. The currently available literature and clinical evidence are not sufficient to establish a definitive association between this variant and the reported condition. Therefore, this variant is classified as a variant of uncertain significance.

Blueprint Genetics
Classification: Likely benign. Last evaluated: 2024-07-29. Review status: criteria provided, single submitter. Criteria: ACMG Guidelines, 2015. Collection method: clinical testing. Allele origin: germline.

GeneDx
Classification: Likely benign. Last evaluated: 2024-05-14. Review status: criteria provided, single submitter. Criteria: GeneDx Variant Classification Process June 2021. Collection method: clinical testing. Allele origin: germline. Affected: yes.
Comment: See Variant Classification Assertion Criteria.

Fulgent Genetics
Classification: Benign for Polycystic kidney disease, adult type. Last evaluated: 2021-11-09. Review status: criteria provided, single submitter. Criteria: ACMG Guidelines, 2015. Collection method: clinical testing. Allele origin: unknown.

ARUP Laboratories, Molecular Genetics and Genomics, ARUP Laboratories
Classification: Likely benign for Polycystic kidney disease, adult type. Last evaluated: 2020-02-26. Review status: criteria provided, single submitter. Criteria: ARUP Molecular Germline Variant Investigation Process. Collection method: clinical testing. Allele origin: germline.